The following is an entry in ClinVar:

NM_001805.4(CEBPE):c.*15T>C

Gene: CEBPE (CCAAT enhancer binding protein epsilon; minus strand). Cytogenetic location: 14q11.2.
Variant type: single nucleotide variant.
Coding change: c.*15T>C on transcript NM_001805.4 (MANE Select); 15 bases downstream of the stop codon, T replaced by C.
Molecular consequence: 3 prime UTR variant.
Genome position (GRCh38, 1-based): chr14:23,117,472, A>G on the plus strand (T>C on the coding strand, the complement: CEBPE is on the minus strand). VCF-style: chr14-23117472-A-G. GRCh37 (hg19) VCF-style: chr14-23586681-A-G.
Identifiers: ClinVar variation 4689067 (VCV004689067.3).

ClinVar aggregate classification (germline): Benign/Likely benign. Review status: criteria provided, multiple submitters, no conflicts (2 of 4 stars). 2 submissions from 2 submitters: Benign (1); Likely benign (1). Last evaluated 2026-05-06.

gnomAD v4.1: 581 of 1,604,136 alleles (0.036%); highest among the groups gnomAD compares: African/African-American, 0.66%; 3 homozygotes.

Submissions (2):

Women's Health and Genetics/Laboratory Corporation of America, LabCorp
Classification: Benign. Last evaluated: 2026-05-06. Review status: criteria provided, single submitter. Criteria: LabCorp Variant Classification Summary - May 2015. Collection method: clinical testing. Allele origin: germline.
Comment: Variant summary: CEBPE c.*15T>C is located in the untranslated mRNA region downstream of the termination codon. The variant allele was found at a frequency of 0.00045 in 235830 control chromosomes, predominantly at a frequency of 0.0062 within the African or African-American subpopulation in the gnomAD database, including 2 homozygotes. The observed variant frequency within African or African-American control individuals in the gnomAD database exceeds the estimated maximal expected allele frequency for disease-causing variants in CEBPE. To our knowledge, no occurrence of c.*15T>C in individuals affected with CEBPE-related conditions and no experimental evidence demonstrating its impact on protein function have been reported. No submitters have cited clinical-significance assessments for this variant to ClinVar. Based on the evidence outlined above, the variant was classified as benign.

Blueprint Genetics
Classification: Likely benign. Last evaluated: 2024-10-28. Review status: criteria provided, single submitter. Criteria: ACMG Guidelines, 2015. Collection method: clinical testing. Allele origin: germline.